The following is an entry in ClinVar:

ClinVar aggregate classification (germline): Uncertain significance (1 of 4 stars; one submission).

Conditions:
MSH5-related disorder. Also called: MSH5-related condition.

gnomAD v4.1: 58 of 1,557,948 alleles (0.0037%); highest among the groups gnomAD compares: Non-Finnish European, 0.0047%; no homozygotes.

Submission:

PreventionGenetics, part of Exact Sciences
Classification: Uncertain significance for MSH5-related condition. Last evaluated: 2026-09-17. Review status: criteria provided, single submitter. Criteria: ACMG Guidelines, 2015. Collection method: clinical testing. Allele origin: germline.
Comment: The MSH5 c.-10C>T variant is located in the 5' untranslated region. To our knowledge, this variant has not been reported in the literature. This variant is reported in 0.011% of alleles in individuals of African descent in gnomAD. At this time, the clinical significance of this variant is uncertain due to the absence of conclusive functional and genetic evidence.

NM_172166.4(MSH5):c.-10C>T

Genes: MSH5 (mutS homolog 5; plus strand), MSH5-SAPCD1 (MSH5-SAPCD1 readthrough (NMD candidate); plus strand). Cytogenetic location: 6p21.33.
Variant type: single nucleotide variant.
Coding change: c.-10C>T on transcript NM_172166.4 (MANE Select); 10 bases upstream of the start codon, C replaced by T.
Molecular consequence: 5 prime UTR variant. On other transcripts: non-coding transcript variant (1).
Genome position (GRCh38, 1-based): chr6:31,740,457, C>T. VCF-style: chr6-31740457-C-T. GRCh37 (hg19) VCF-style: chr6-31708234-C-T.
Other names: c.-10C>T (NM_002441.5, NM_025259.6, NM_172165.4).
Identifiers: ClinVar variation 4979612 (VCV004979612.1).